The following is an entry in ClinVar:

ClinVar aggregate classification (germline): Uncertain significance (1 of 4 stars; one submission).

Conditions:
Multiple sulfatase deficiency (MSD). Also called: Mucosulfatidosis; Multiple Sulfatase Deficiency Disease; Sulfatidosis, Juvenile, Austin Type. Identifiers: Orphanet 585, MedGen C0268263, MONDO:0010088, OMIM 272200.

Allele frequency attached by ClinVar (database versions not stated): TOPMed below 0.00001.
gnomAD v4.1: 1 of 1,614,110 alleles (0.000062%); highest among the groups gnomAD compares: Admixed American, 0.0017%; no homozygotes.

Submission:

Labcorp Genetics (formerly Invitae), Labcorp
Classification: Uncertain significance for Multiple sulfatase deficiency. Last evaluated: 2022-07-15. Review status: criteria provided, single submitter. Criteria: Invitae Variant Classification Sherloc (09022015). Collection method: clinical testing. Allele origin: germline.
Comment: This sequence change replaces alanine, which is neutral and non-polar, with aspartic acid, which is acidic and polar, at codon 128 of the SUMF1 protein (p.Ala128Asp). This variant is present in population databases (no rsID available, gnomAD 0.003%). This variant has not been reported in the literature in individuals affected with SUMF1-related conditions. Algorithms developed to predict the effect of missense changes on protein structure and function (SIFT, PolyPhen-2, Align-GVGD) all suggest that this variant is likely to be tolerated. In summary, the available evidence is currently insufficient to determine the role of this variant in disease. Therefore, it has been classified as a Variant of Uncertain Significance.

NM_182760.4(SUMF1):c.383C>A (p.Ala128Asp)

Gene: SUMF1 (sulfatase modifying factor 1; minus strand). Cytogenetic location: 3p26.1.
Variant type: single nucleotide variant.
Coding change: c.383C>A on transcript NM_182760.4 (MANE Select); coding-DNA position 383, C replaced by A.
Protein change: p.Ala128Asp; replaces alanine 128 with aspartic acid.
Molecular consequence: missense variant.
Genome position (GRCh38, 1-based): chr3:4,452,937, G>T on the plus strand (C>A on the coding strand, the complement: SUMF1 is on the minus strand). VCF-style: chr3-4452937-G-T. GRCh37 (hg19) VCF-style: chr3-4494621-G-T.
Other names: c.383C>A, p.Ala128Asp (NM_001164674.2, NM_001164675.2); short protein forms A128D.
Identifiers: ClinVar variation 2066017 (VCV002066017.1), dbSNP rs1414244109, ClinGen allele CA351793208.